The following is an entry in ClinVar:

ClinVar aggregate classification (germline): Pathogenic (1 of 4 stars; one submission).

Conditions:
Hereditary cancer-predisposing syndrome. Also called: Neoplastic Syndromes, Hereditary; Tumor predisposition; Hereditary Cancer Syndrome; Hereditary neoplastic syndrome. Identifiers: Orphanet 140162, MedGen C0027672, MeSH D009386, MONDO:0015356.

Submission:

Ambry Genetics
Classification: Pathogenic for Hereditary cancer-predisposing syndrome. Last evaluated: 2026-03-18. Review status: criteria provided, single submitter. Criteria: Ambry Variant Classification Scheme 2023. Collection method: clinical testing. Allele origin: germline.
Comment: The c.8520_8521delAT pathogenic mutation, located in coding exon 19 of the BRCA2 gene, results from a deletion of two nucleotides at nucleotide positions 8520 to 8521, causing a translational frameshift with a predicted alternate stop codon (p.F2841Sfs*3). This variant is considered to be rare based on population cohorts in the Genome Aggregation Database (gnomAD). This alteration is expected to result in loss of function by premature protein truncation or nonsense-mediated mRNA decay. As such, this alteration is interpreted as a disease-causing mutation.

NM_000059.4(BRCA2):c.8520_8521del (p.Phe2841fs)

Gene: BRCA2 (BRCA2 DNA repair associated; plus strand). Cytogenetic location: 13q13.1.
Variant type: Microsatellite.
Coding change: c.8520_8521del on transcript NM_000059.4 (MANE Select); coding-DNA positions 8520 to 8521, 2 bases deleted (AT; older notation c.8520_8521delAT).
Protein change: p.Phe2841fs; shifts the reading frame from phenylalanine 2841.
Molecular consequence: frameshift variant. On other transcripts: non-coding transcript variant (1).
Genome position (GRCh38, 1-based): chr13:32,370,988-32,370,989, AT deleted; deleting any 2 consecutive bases within chr13:32,370,986-32,370,989 gives the same sequence; the c. name uses the placement nearest the transcript's 3' end. VCF-style (leftmost placement, unchanged base first): chr13-32370985-CAT-C. GRCh37 (hg19) VCF-style: chr13-32945122-CAT-C.
Other names: c.2103_2104del, p.Phe702fs (NM_001406722.1); c.8520_8521del, p.Phe2841fs (NM_001432077.1, NM_001406720.1); c.3588_3589del, p.Phe1197fs (NM_001406721.1); c.8520_8521delAT (NM_000059.3); c.8518_8519AT[1], p.Phe2841Serfs (NM_000059.3); c.8424_8425del, p.Phe2809fs (NM_001406719.1); short protein forms F1197fs, F2809fs, F2841fs, F702fs.
Identifiers: ClinVar variation 4867783 (VCV004867783.1).
Genomic context (GRCh38, chr13:32,370,985, plus strand): 5'-CTTTTTTGGTGTGTGTAACACATTATTACAGTGGATGGAGAAGACATCATCTGGATTATA[CAT>C]ATTTCGCAATGAAAGAGAGGAAGAAAAGGAAGCAGCAAAATATGTGGAGGCCCAACAAAA-3'